The following is an entry in ClinVar:

ClinVar aggregate classification (germline): Uncertain significance (1 of 4 stars; one submission).

Conditions:
Perlman syndrome (PRLMNS). Identifiers: Orphanet 2849, MedGen C0796113, MONDO:0009965, OMIM 267000.

gnomAD v4.1: 2 of 1,603,152 alleles (0.00012%); highest among the groups gnomAD compares: African/African-American, 0.0027%; no homozygotes.

Submission:

Labcorp Genetics (formerly Invitae), Labcorp
Classification: Uncertain significance for Perlman syndrome. Last evaluated: 2022-12-24. Review status: criteria provided, single submitter. Criteria: Invitae Variant Classification Sherloc (09022015). Collection method: clinical testing. Allele origin: germline.
Comment: In summary, the available evidence is currently insufficient to determine the role of this variant in disease. Therefore, it has been classified as a Variant of Uncertain Significance. Algorithms developed to predict the effect of sequence changes on RNA splicing suggest that this variant may create or strengthen a splice site. This variant has not been reported in the literature in individuals affected with DIS3L2-related conditions. This variant is present in population databases (no rsID available, gnomAD 0.01%). This sequence change falls in intron 8 of the DIS3L2 gene. It does not directly change the encoded amino acid sequence of the DIS3L2 protein.

NM_152383.5(DIS3L2):c.951-20C>A

Gene: DIS3L2 (DIS3 like 3'-5' exoribonuclease 2; plus strand). Cytogenetic location: 2q37.1.
Variant type: single nucleotide variant.
Coding change: c.951-20C>A on transcript NM_152383.5 (MANE Select); 20 bases into the intron before coding-DNA position 951, C replaced by A.
Molecular consequence: intron variant.
Genome position (GRCh38, 1-based): chr2:232,163,439, C>A. VCF-style: chr2-232163439-C-A. GRCh37 (hg19) VCF-style: chr2-233028149-C-A.
Other names: c.951-20C>A (NM_001257281.2).
Identifiers: ClinVar variation 2896450 (VCV002896450.3), dbSNP rs201896227, ClinGen allele CA540312538.